The following is an entry in ClinVar:

ClinVar aggregate classification (germline): Likely benign. Review status: criteria provided, multiple submitters, no conflicts (2 of 4 stars). 3 submissions from 3 submitters: Likely benign (2). 1 of the submissions does not count toward it. Last evaluated 2024-10-17.

Conditions:
AP3B2-related disorder. Also called: AP3B2-related condition.

Allele frequency attached by ClinVar (database versions not stated): gnomAD 0.00001; TOPMed 0.00003; ExAC 0.00005; ESP Exome Variant Server 0.00008.
gnomAD v4.1: 138 of 1,612,778 alleles (0.0086%); highest among the groups gnomAD compares: Non-Finnish European, 0.011%; no homozygotes.

Submissions (3):

Labcorp Genetics (formerly Invitae), Labcorp
Classification: Likely benign. Last evaluated: 2024-10-17. Review status: criteria provided, single submitter. Criteria: Invitae Variant Classification Sherloc (09022015). Collection method: clinical testing. Allele origin: germline.

Blueprint Genetics
Classification: Likely benign. Last evaluated: 2023-05-23. Review status: criteria provided, single submitter. Criteria: ACMG Guidelines, 2015. Collection method: clinical testing. Allele origin: germline.

PreventionGenetics, part of Exact Sciences
Classification: Likely benign for AP3B2-related condition. Last evaluated: 2019-05-28. Review status: no assertion criteria provided. Collection method: clinical testing. Allele origin: germline. Not counted in ClinVar's aggregate classification.
Comment: This variant is classified as likely benign based on ACMG/AMP sequence variant interpretation guidelines (Richards et al. 2015 PMID: 25741868, with internal and published modifications).

NM_001278512.2(AP3B2):c.2511T>C (p.Ser837=)

Genes: AP3B2 (adaptor related protein complex 3 subunit beta 2; minus strand), CPEB1-AS1 (CPEB1 antisense RNA 1; plus strand), LOC113939947 (Sharpr-MPRA regulatory region 5793; plus strand). Cytogenetic location: 15q25.2.
Variant type: single nucleotide variant.
Coding change: c.2511T>C on transcript NM_001278512.2 (MANE Select); coding-DNA position 2511, T replaced by C.
Protein change: p.Ser837=; no amino-acid change (serine 837 retained).
Molecular consequence: synonymous variant.
Genome position (GRCh38, 1-based): chr15:82,663,220, A>G on the plus strand (T>C on the coding strand, the complement: AP3B2 is on the minus strand). VCF-style: chr15-82663220-A-G. GRCh37 (hg19) VCF-style: chr15-83331972-A-G.
Other names: c.2454T>C (NM_004644.4); c.2358T>C, p.Ser786= (NM_001278511.2); c.2454T>C, p.Ser818= (NM_004644.5).
Identifiers: ClinVar variation 2190166 (VCV002190166.7), dbSNP rs201548330, ClinGen allele CA7699870.